The following is an entry in ClinVar:

NM_000553.6(WRN):c.2732+7A>G

Gene: WRN (WRN RecQ like helicase; plus strand). Cytogenetic location: 8p12.
Variant type: single nucleotide variant.
Coding change: c.2732+7A>G on transcript NM_000553.6 (MANE Select); 7 bases into the intron after coding-DNA position 2732, A replaced by G.
Molecular consequence: intron variant.
Genome position (GRCh38, 1-based): chr8:31,124,630, A>G. VCF-style: chr8-31124630-A-G. GRCh37 (hg19) VCF-style: chr8-30982146-A-G.
Identifiers: ClinVar variation 4804703 (VCV004804703.1).
Genomic context (GRCh38, chr8:31,124,630, plus strand): 5'-AAAGATGATGGCAAAGATGGAAAAATATCTTCATTCTAGCAGATGTAGGAGACAGTATGT[A>G]TTATTTATTTTATGCCAATAGTATGGATTTATGGATGATGCTCTTTTAAGACAACAATTT-3'

ClinVar aggregate classification (germline): Uncertain significance (1 of 4 stars; one submission).

Conditions:
Werner syndrome (WRN). Identifiers: Orphanet 902, MedGen C0043119, MONDO:0010196, OMIM 277700.

gnomAD v4.1: 5 of 1,599,932 alleles (0.00031%); highest among the groups gnomAD compares: Non-Finnish European, 0.00043%; no homozygotes.

Submission:

Labcorp Genetics (formerly Invitae), Labcorp
Classification: Uncertain significance for Werner syndrome. Last evaluated: 2025-11-22. Review status: criteria provided, single submitter. Criteria: Invitae Variant Classification Sherloc (09022015). Collection method: clinical testing. Allele origin: germline.
Comment: This sequence change falls in intron 22 of the WRN gene. It does not directly change the encoded amino acid sequence of the WRN protein. This variant is not present in population databases (gnomAD no frequency). This variant has not been reported in the literature in individuals affected with WRN-related conditions. Algorithms developed to predict the effect of sequence changes on RNA splicing suggest that this variant may disrupt the consensus splice site. In summary, the available evidence is currently insufficient to determine the role of this variant in disease. Therefore, it has been classified as a Variant of Uncertain Significance.